The following is an entry in ClinVar:

NM_001148.6(ANK2):c.9383G>A (p.Ser3128Asn)

Gene: ANK2 (ankyrin 2; plus strand). Cytogenetic location: 4q26.
Variant type: single nucleotide variant.
Coding change: c.9383G>A on transcript NM_001148.6 (MANE Select); coding-DNA position 9383, G replaced by A.
Protein change: p.Ser3128Asn; replaces serine 3128 with asparagine.
Molecular consequence: missense variant. On other transcripts: intron variant (68).
Genome position (GRCh38, 1-based): chr4:113,358,001, G>A. VCF-style: chr4-113358001-G-A. GRCh37 (hg19) VCF-style: chr4-114279157-G-A.
Other names: c.9149G>A, p.Ser3050Asn (NM_001386142.1); c.5783G>A, p.Ser1928Asn (NM_001386166.1); c.9524G>A, p.Ser3175Asn (NM_001386174.1); c.9500G>A, p.Ser3167Asn (NM_001386175.1); c.4412-2822G>A (NM_001386186.2, NM_001386148.2); c.4214-2822G>A (NM_001354269.3); c.4292-2822G>A (NM_001386187.2); c.4253-2822G>A (NM_001386147.1); and 35 more; short protein forms S3128N, S1928N, S3050N, S3167N, S3175N.
Identifiers: ClinVar variation 238595 (VCV000238595.10), dbSNP rs146504109, ClinGen allele CA3051906.

ClinVar aggregate classification (germline): Uncertain significance. Review status: criteria provided, multiple submitters, no conflicts (2 of 4 stars). 3 submissions from 3 submitters: Uncertain significance (3). Last evaluated 2025-09-04.

Conditions:
Cardiovascular phenotype. Identifiers: MedGen CN230736.
Long QT syndrome (LQTS). Identifiers: MedGen C0023976, MeSH D008133, MONDO:0002442. Disease mechanism: loss of function. Inheritance: Various modes of inheritance.
Cardiac arrhythmia, ankyrin-B-related. Also called: ANKYRIN-B SYNDROME. Identifiers: Orphanet 101016, Orphanet 768, MedGen C1970119, MONDO:0010958, OMIM 600919.

Allele frequency attached by ClinVar (database versions not stated): gnomAD 0.00001; gnomAD exomes 0.00003 and 0.00005; ExAC 0.00004; 1000 Genomes Project 30x 0.00016; 1000 Genomes Project 0.00020.
gnomAD v4.1: 74 of 1,614,036 alleles (0.0046%); highest among the groups gnomAD compares: East Asian, 0.16%; 1 homozygote.

Submissions (3):

Ambry Genetics
Classification: Uncertain significance for Cardiovascular phenotype. Last evaluated: 2025-09-04. Review status: criteria provided, single submitter. Criteria: Ambry Variant Classification Scheme 2023. Collection method: clinical testing. Allele origin: germline.
Comment: The p.S3128N variant (also known as c.9383G>A), located in coding exon 38 of the ANK2 gene, results from a G to A substitution at nucleotide position 9383. The serine at codon 3128 is replaced by asparagine, an amino acid with highly similar properties. This amino acid position is conserved. In addition, the in silico prediction for this alteration is inconclusive. Based on the available evidence, the clinical significance of this variant remains unclear.

Labcorp Genetics (formerly Invitae), Labcorp
Classification: Uncertain significance for Long QT syndrome. Last evaluated: 2022-12-06. Review status: criteria provided, single submitter. Criteria: Invitae Variant Classification Sherloc (09022015). Collection method: clinical testing. Allele origin: germline.
Comment: ClinVar contains an entry for this variant (Variation ID: 238595). This sequence change replaces serine, which is neutral and polar, with asparagine, which is neutral and polar, at codon 3128 of the ANK2 protein (p.Ser3128Asn). This variant is present in population databases (rs146504109, gnomAD 0.03%). This variant has not been reported in the literature in individuals affected with ANK2-related conditions. Algorithms developed to predict the effect of missense changes on protein structure and function output the following: SIFT: "Tolerated"; PolyPhen-2: "Benign"; Align-GVGD: "Class C0". The asparagine amino acid residue is found in multiple mammalian species, which suggests that this missense change does not adversely affect protein function. In summary, the available evidence is currently insufficient to determine the role of this variant in disease. Therefore, it has been classified as a Variant of Uncertain Significance.

Illumina Laboratory Services, Illumina
Classification: Uncertain significance for Cardiac arrhythmia, ankyrin-B-related. Last evaluated: 2018-01-13. Review status: criteria provided, single submitter. Criteria: ICSL Variant Classification Criteria 13 December 2019. Collection method: clinical testing. Allele origin: germline.